The following is an entry in ClinVar:

ClinVar aggregate classification (germline): Uncertain significance. Review status: criteria provided, multiple submitters, no conflicts (2 of 4 stars). 2 submissions from 2 submitters: Uncertain significance (2). Last evaluated 2025-11-18.

Conditions:
Ehlers-Danlos syndrome, type 4 (EDSVASC). Also called: Ehlers-Danlos Syndrome Type IV; Ehlers-Danlos syndrome vascular type; Ehlers Danlos syndrome, ecchymotic type; Ehlers Danlos syndrome, arterial type; Ehlers Danlos syndrome, Sack-Barabas type. Identifiers: Orphanet 286, MedGen C0268338, MONDO:0017314, OMIM 130050.
Familial thoracic aortic aneurysm and aortic dissection (TAAD). Also called: Thoracic aortic aneurysms and dissections. Identifiers: Orphanet 91387, MedGen C4707243, MONDO:0019625.

Submissions (2):

Labcorp Genetics (formerly Invitae), Labcorp
Classification: Uncertain significance for Ehlers-Danlos syndrome, type 4. Last evaluated: 2025-11-18. Review status: criteria provided, single submitter. Criteria: Invitae Variant Classification Sherloc (09022015). Collection method: clinical testing. Allele origin: germline.
Comment: This sequence change falls in intron 49 of the COL3A1 gene. It does not directly change the encoded amino acid sequence of the COL3A1 protein. It affects a nucleotide within the consensus splice site. This variant is not present in population databases (gnomAD no frequency). This variant has been observed in individual(s) with Ehlers-Danlos syndrome (internal data). ClinVar contains an entry for this variant (Variation ID: 4005357). Variants that disrupt the consensus splice site are a relatively common cause of aberrant splicing (PMID: 17576681, 9536098). Algorithms developed to predict the effect of sequence changes on RNA splicing suggest that this variant is not likely to affect RNA splicing. In summary, the available evidence is currently insufficient to determine the role of this variant in disease. Therefore, it has been classified as a Variant of Uncertain Significance.

Ambry Genetics
Classification: Uncertain significance for Familial thoracic aortic aneurysm and aortic dissection. Last evaluated: 2025-04-04. Review status: criteria provided, single submitter. Criteria: Ambry Variant Classification Scheme 2023. Collection method: clinical testing. Allele origin: germline.
Comment: The c.4011+5G>A intronic alteration consists of a G to A substitution nucleotides after coding exon 49 in the COL3A1 gene. Based on insufficient or conflicting evidence, the clinical significance of this alteration remains unclear.

Literature cited by the submitters: PubMed 17576681 (cited by Labcorp Genetics (formerly Invitae), Labcorp); PubMed 9536098 (cited by Labcorp Genetics (formerly Invitae), Labcorp).

NM_000090.4(COL3A1):c.4011+5G>A

Gene: COL3A1 (collagen type III alpha 1 chain; plus strand). Cytogenetic location: 2q32.2.
Variant type: single nucleotide variant.
Coding change: c.4011+5G>A on transcript NM_000090.4 (MANE Select); 5 bases into the intron after coding-DNA position 4011, G replaced by A.
Molecular consequence: intron variant.
Genome position (GRCh38, 1-based): chr2:189,010,370, G>A. VCF-style: chr2-189010370-G-A. GRCh37 (hg19) VCF-style: chr2-189875096-G-A.
Identifiers: ClinVar variation 4005357 (VCV004005357.2).
Genomic context (GRCh38, chr2:189,010,370, plus strand): 5'-CTAGTGCTGAGAAGAAACACGTTTGGTTTGGAGAGTCCATGGATGGTGGTTTTCAGGTAG[G>A]AAAGGATATACCTTTTTTTAAATAAGTCACCTCTATATCCTTTGTATTCTTCCTATATGT-3'